The following is an entry in ClinVar:

NM_000455.5(STK11):c.1078ATC[1] (p.Ile361del)

Genes: STK11 (serine/threonine kinase 11; plus strand), LOC130062899 (ATAC-STARR-seq lymphoblastoid active region 13597; plus strand). Cytogenetic location: 19p13.3.
Variant type: Microsatellite.
Coding change: c.1078ATC[1] on transcript NM_000455.5 (MANE Select); one copy of the 3-base unit ATC starting at c.1078; the reference has two copies in a row; one copy, 3 bases deleted.
Protein change: p.Ile361del; deletes isoleucine 361.
Molecular consequence: inframe indel (on NM_000455.4). On other transcripts: non-coding transcript variant (1).
Genome position (GRCh38, 1-based): chr19:1,223,145-1,223,147, ATC deleted; deleting any 3 consecutive bases within chr19:1,223,141-1,223,147 gives the same sequence; the position shown is the placement nearest the transcript's 3' end. VCF-style (leftmost placement, unchanged base first): chr19-1223140-ACAT-A. GRCh37 (hg19) VCF-style: chr19-1223139-ACAT-A.
Other names: c.1081_1083delATC (NM_000455.4); c.1078ATC[1], p.Ile361del (NM_001407255.1); c.1078_1080ATC[1], p.Ile361del (NM_000455.4); short protein forms I361del.
Identifiers: ClinVar variation 5030312 (VCV005030312.1).
Genomic context (GRCh38, chr19:1,223,140, plus strand): 5'-CGTACTTGGAGGACCTGCACGGCGCGGACGAGGACGAGGACCTCTTCGACATCGAGGATG[ACAT>A]CATCTACACTCAGGACTTCACGGTGCCCGGTGAGTCTGGCGGGGGCCCCTGCCCGGCTCT-3'

ClinVar aggregate classification (germline): Uncertain significance (1 of 4 stars; one submission).

Conditions:
Hereditary cancer-predisposing syndrome. Also called: Neoplastic Syndromes, Hereditary; Tumor predisposition; Hereditary neoplastic syndrome; Hereditary Cancer Syndrome. Identifiers: Orphanet 140162, MedGen C0027672, MeSH D009386, MONDO:0015356.

Submission:

Ambry Genetics
Classification: Uncertain significance for Hereditary cancer-predisposing syndrome. Last evaluated: 2026-06-17. Review status: criteria provided, single submitter. Criteria: Ambry Variant Classification Scheme 2023. Collection method: clinical testing. Allele origin: germline.
Comment: The c.1081_1083delATC variant (also known as p.I361del) is located in coding exon 8 of the STK11 gene. This variant results from an in-frame ATC deletion at nucleotide positions 1081 to 1083. This results in the in-frame deletion of an isoleucine at codon 361. This amino acid position is well conserved in available vertebrate species. In addition, this variant is predicted to be neutral by in silico analysis (Choi Y et al. PLoS ONE. 2012; 7(10):e46688). Based on the available evidence, the clinical significance of this variant remains unclear.